The following is an entry in ClinVar:

NM_014845.6(FIG4):c.19C>T (p.Pro7Ser)

Gene: FIG4 (FIG4 phosphoinositide 5-phosphatase; plus strand). Cytogenetic location: 6q21.
Variant type: single nucleotide variant.
Coding change: c.19C>T on transcript NM_014845.6 (MANE Select); coding-DNA position 19, C replaced by T.
Protein change: p.Pro7Ser; replaces proline 7 with serine.
Molecular consequence: missense variant.
Genome position (GRCh38, 1-based): chr6:109,691,454, C>T. VCF-style: chr6-109691454-C-T. GRCh37 (hg19) VCF-style: chr6-110012657-C-T.
Other names: short protein forms P7S.
Identifiers: ClinVar variation 1399875 (VCV001399875.5), dbSNP rs1367256224, ClinGen allele CA365206510.

ClinVar aggregate classification (germline): Uncertain significance (1 of 4 stars; one submission).

Conditions:
Charcot-Marie-Tooth disease type 4. Also called: Charcot-Marie-Tooth, Type 4; Charcot-Marie-Tooth disease, type IV. Identifiers: Orphanet 64749, MedGen C4082197, MONDO:0018995.

Allele frequency attached by ClinVar (database versions not stated): gnomAD exomes below 0.00001 and 0.00001.

Submission:

Labcorp Genetics (formerly Invitae), Labcorp
Classification: Uncertain significance for Charcot-Marie-Tooth disease type 4. Last evaluated: 2021-09-24. Review status: criteria provided, single submitter. Criteria: Invitae Variant Classification Sherloc (09022015). Collection method: clinical testing. Allele origin: germline.
Comment: This sequence change replaces proline with serine at codon 7 of the FIG4 protein (p.Pro7Ser). The proline residue is moderately conserved and there is a moderate physicochemical difference between proline and serine. This variant is not present in population databases (ExAC no frequency). This variant has not been reported in the literature in individuals with FIG4-related conditions. Algorithms developed to predict the effect of missense changes on protein structure and function are either unavailable or do not agree on the potential impact of this missense change (SIFT: "Tolerated"; PolyPhen-2: "Possibly Damaging"; Align-GVGD: "Class C0"). In summary, the available evidence is currently insufficient to determine the role of this variant in disease. Therefore, it has been classified as a Variant of Uncertain Significance.